The following is an entry in ClinVar:

NM_000701.8(ATP1A1):c.1261C>G (p.Leu421Val)

Gene: ATP1A1 (ATPase Na+/K+ transporting subunit alpha 1; plus strand). Cytogenetic location: 1p13.1.
Variant type: single nucleotide variant.
Coding change: c.1261C>G on transcript NM_000701.8 (MANE Select); coding-DNA position 1261, C replaced by G.
Protein change: p.Leu421Val; replaces leucine 421 with valine.
Molecular consequence: missense variant.
Genome position (GRCh38, 1-based): chr1:116,390,820, C>G. VCF-style: chr1-116390820-C-G. GRCh37 (hg19) VCF-style: chr1-116933442-C-G.
Other names: c.1261C>G, p.Leu421Val (NM_001160233.2); c.1168C>G, p.Leu390Val (NM_001160234.2); short protein forms L421V, L390V.
Identifiers: ClinVar variation 2960178 (VCV002960178.3), dbSNP rs764635041, ClinGen allele CA1025267.

ClinVar aggregate classification (germline): Uncertain significance (1 of 4 stars; one submission).

gnomAD v4.1: 6 of 1,614,216 alleles (0.00037%); highest among the groups gnomAD compares: African/African-American, 0.0013%; no homozygotes.

Submission:

Labcorp Genetics (formerly Invitae), Labcorp
Classification: Uncertain significance. Last evaluated: 2023-03-26. Review status: criteria provided, single submitter. Criteria: Invitae Variant Classification Sherloc (09022015). Collection method: clinical testing. Allele origin: germline.
Comment: In summary, the available evidence is currently insufficient to determine the role of this variant in disease. Therefore, it has been classified as a Variant of Uncertain Significance. Advanced modeling of protein sequence and biophysical properties (such as structural, functional, and spatial information, amino acid conservation, physicochemical variation, residue mobility, and thermodynamic stability) performed at Invitae indicates that this missense variant is not expected to disrupt ATP1A1 protein function. This variant has not been reported in the literature in individuals affected with ATP1A1-related conditions. This variant is present in population databases (rs764635041, gnomAD 0.03%). This sequence change replaces leucine, which is neutral and non-polar, with valine, which is neutral and non-polar, at codon 421 of the ATP1A1 protein (p.Leu421Val).